The following is an entry in ClinVar:

NM_000393.5(COL5A2):c.4457A>T (p.Asp1486Val)

Gene: COL5A2 (collagen type V alpha 2 chain; minus strand). Cytogenetic location: 2q32.2.
Variant type: single nucleotide variant.
Coding change: c.4457A>T on transcript NM_000393.5 (MANE Select); coding-DNA position 4457, A replaced by T.
Protein change: p.Asp1486Val; replaces aspartic acid 1486 with valine.
Molecular consequence: missense variant.
Genome position (GRCh38, 1-based): chr2:189,034,113, T>A on the plus strand (A>T on the coding strand, the complement: COL5A2 is on the minus strand). VCF-style: chr2-189034113-T-A. GRCh37 (hg19) VCF-style: chr2-189898839-T-A.
Other names: short protein forms D1486V.
Identifiers: ClinVar variation 4694151 (VCV004694151.1).

ClinVar aggregate classification (germline): Uncertain significance (1 of 4 stars; one submission).

Conditions:
Ehlers-Danlos syndrome, classic type, 1 (EDSCL1). Also called: EHLERS-DANLOS SYNDROME, GRAVIS TYPE; EHLERS-DANLOS SYNDROME, SEVERE CLASSIC TYPE; Ehlers-Danlos syndrome, type 1; Ehlers-Danlos Syndrome, Classic Type, COL5A1-Related; EDS I. Identifiers: MedGen C0268335, MONDO:0019567, OMIM 130000.

Submission:

Labcorp Genetics (formerly Invitae), Labcorp
Classification: Uncertain significance for Ehlers-Danlos syndrome, classic type, 1. Last evaluated: 2025-03-19. Review status: criteria provided, single submitter. Criteria: Invitae Variant Classification Sherloc (09022015). Collection method: clinical testing. Allele origin: germline.
Comment: This sequence change replaces aspartic acid, which is acidic and polar, with valine, which is neutral and non-polar, at codon 1486 of the COL5A2 protein (p.Asp1486Val). This variant is not present in population databases (gnomAD no frequency). This variant has not been reported in the literature in individuals affected with COL5A2-related conditions. Invitae Evidence Modeling of protein sequence and biophysical properties (such as structural, functional, and spatial information, amino acid conservation, physicochemical variation, residue mobility, and thermodynamic stability) indicates that this missense variant is not expected to disrupt COL5A2 protein function with a negative predictive value of 80%. In summary, the available evidence is currently insufficient to determine the role of this variant in disease. Therefore, it has been classified as a Variant of Uncertain Significance.